The following is an entry in ClinVar:

ClinVar aggregate classification (germline): Uncertain significance (1 of 4 stars; one submission).

Conditions:
Neurofibromatosis, type 1 (NF1). Also called: Peripheral type neurofibromatosis; VON RECKLINGHAUSEN DISEASE; NEUROFIBROMATOSIS, TYPE I, SOMATIC; Neurofibromatosis, type I. Identifiers: Orphanet 636, MedGen C0027831, MONDO:0018975, OMIM 162200. Disease mechanism: loss of function.

Submission:

Labcorp Genetics (formerly Invitae), Labcorp
Classification: Uncertain significance for Neurofibromatosis, type 1. Last evaluated: 2019-11-10. Review status: criteria provided, single submitter. Criteria: Invitae Variant Classification Sherloc (09022015). Collection method: clinical testing. Allele origin: germline.
Comment: This variant, c.3140_3142dup, results in the insertion of 1 amino acid(s) to the NF1 protein (p.Asp1047_Trp1048insTyr), but otherwise preserves the integrity of the reading frame. This variant is not present in population databases (ExAC no frequency). This variant has not been reported in the literature in individuals with NF1-related conditions. Experimental studies and prediction algorithms are not available or were not evaluated, and the functional significance of this variant is currently unknown. In summary, the available evidence is currently insufficient to determine the role of this variant in disease. Therefore, it has been classified as a Variant of Uncertain Significance.

NM_001042492.3(NF1):c.3140_3142dup (p.Asp1047_Trp1048insTyr)

Gene: NF1 (neurofibromin 1; plus strand). Cytogenetic location: 17q11.2.
Variant type: Duplication.
Coding change: c.3140_3142dup on transcript NM_001042492.3 (MANE Select); coding-DNA positions 3140 to 3142, 3 bases duplicated (ACT; older notation c.3140_3142dupACT).
Protein change: p.Asp1047_Trp1048insTyr.
Molecular consequence: inframe insertion. On other transcripts: inframe indel (1).
Genome position (GRCh38, 1-based): chr17:31,230,868-31,230,870, ACT duplicated. VCF-style (leftmost placement, unchanged base first): chr17-31230867-G-GACT. GRCh37 (hg19) VCF-style: chr17-29557885-G-GACT.
Other names: c.3140_3142dup, p.Asp1047_Trp1048insTyr (NM_000267.4).
Identifiers: ClinVar variation 959553 (VCV000959553.6), dbSNP rs2067101647, ClinGen allele CA1139665330.